The following is an entry in ClinVar:

NM_001853.4(COL9A3):c.246G>A (p.Pro82=)

Gene: COL9A3 (collagen type IX alpha 3 chain; plus strand). Cytogenetic location: 20q13.33.
Variant type: single nucleotide variant.
Coding change: c.246G>A on transcript NM_001853.4 (MANE Select); coding-DNA position 246, G replaced by A.
Protein change: p.Pro82=; no amino-acid change (proline 82 retained).
Molecular consequence: synonymous variant.
Genome position (GRCh38, 1-based): chr20:62,819,284, G>A. VCF-style: chr20-62819284-G-A. GRCh37 (hg19) VCF-style: chr20-61450636-G-A.
Other names: c.246G>A (NM_001853.3).
Identifiers: ClinVar variation 1404785 (VCV001404785.9), dbSNP rs146260681, ClinGen allele CA9949082.

ClinVar aggregate classification (germline): Uncertain significance. Review status: criteria provided, multiple submitters, no conflicts (2 of 4 stars). 2 submissions from 2 submitters: Uncertain significance (2). Last evaluated 2026-02-26.

Conditions:
COL9A3-related disorder. Also called: COL9A3-related condition.

Allele frequency attached by ClinVar (database versions not stated): ExAC 0.00001; gnomAD exomes 0.00001; gnomAD 0.00002 and 0.00004; TOPMed 0.00003; ESP Exome Variant Server 0.00008.
gnomAD v4.1: 40 of 1,610,582 alleles (0.0025%); highest among the groups gnomAD compares: East Asian, 0.038%; no homozygotes.

Submissions (2):

PreventionGenetics, part of Exact Sciences
Classification: Uncertain significance for COL9A3-related condition. Last evaluated: 2026-02-26. Review status: criteria provided, single submitter. Criteria: ACMG Guidelines, 2015. Collection method: clinical testing. Allele origin: germline.
Comment: The COL9A3 c.246G>A variant is not predicted to result in an amino acid change (p.=). This variant is predicted to impact splicing based on available splicing prediction programs (SpliceAI, Jaganathan et al. 2019. PubMed ID: 30661751). To our knowledge, this variant has not been reported in the literature. This variant is reported in 0.0051% of alleles in individuals of East Asian descent in gnomAD. At this time, the clinical significance of this variant is uncertain due to the absence of conclusive functional and genetic evidence.

Labcorp Genetics (formerly Invitae), Labcorp
Classification: Uncertain significance. Last evaluated: 2024-09-06. Review status: criteria provided, single submitter. Criteria: Invitae Variant Classification Sherloc (09022015). Collection method: clinical testing. Allele origin: germline.
Comment: This sequence change affects codon 82 of the COL9A3 mRNA. It is a 'silent' change, meaning that it does not change the encoded amino acid sequence of the COL9A3 protein. This variant is present in population databases (rs146260681, gnomAD 0.005%). This variant has not been reported in the literature in individuals affected with COL9A3-related conditions. ClinVar contains an entry for this variant (Variation ID: 1404785). Algorithms developed to predict the effect of sequence changes on RNA splicing suggest that this variant may create or strengthen a splice site. In summary, the available evidence is currently insufficient to determine the role of this variant in disease. Therefore, it has been classified as a Variant of Uncertain Significance.